The following is an entry in ClinVar:

NM_016507.4(CDK12):c.3678T>G (p.Ser1226Arg)

Gene: CDK12 (cyclin dependent kinase 12; plus strand). Cytogenetic location: 17q12.
Variant type: single nucleotide variant.
Coding change: c.3678T>G on transcript NM_016507.4 (MANE Select); coding-DNA position 3678, T replaced by G.
Protein change: p.Ser1226Arg; replaces serine 1226 with arginine.
Molecular consequence: missense variant.
Genome position (GRCh38, 1-based): chr17:39,526,234, T>G. VCF-style: chr17-39526234-T-G. GRCh37 (hg19) VCF-style: chr17-37682487-T-G.
Other names: c.3678T>G, p.Ser1226Arg (NM_015083.4); short protein forms S1226R.
Identifiers: ClinVar variation 3830734 (VCV003830734.1).
Genomic context (GRCh38, chr17:39,526,234, plus strand): 5'-GCAGAATATATTGGCAGTTCTCTTGAGTCAGCTGATGAAAACCCAAGAGCCAGCAGGCAG[T>G]CTGGAGGAAAACAACAGTGACAAGAACAGTGGGCCACAGGGGCCCCGAAGAACTCCCACA-3'
Protein context (NP_057591.2, residues 1216-1236): QLMKTQEPAG[Ser1226Arg]LEENNSDKNS

ClinVar aggregate classification (germline): Uncertain significance (1 of 4 stars; one submission).

Submission:

Ambry Genetics
Classification: Uncertain significance. Last evaluated: 2025-03-02. Review status: criteria provided, single submitter. Criteria: Ambry Variant Classification Scheme 2023. Collection method: clinical testing. Allele origin: germline.
Comment: The p.S1226R variant (also known as c.3678T>G), located in coding exon 13 of the CDK12 gene, results from a T to G substitution at nucleotide position 3678. The serine at codon 1226 is replaced by arginine, an amino acid with dissimilar properties. This amino acid position is conserved. In addition, this alteration is predicted to be tolerated by in silico analysis. Based on the available evidence, the clinical significance of this variant remains unclear.